The following is an entry in ClinVar:

NM_002692.4(POLE2):c.640C>T (p.His214Tyr)

Gene: POLE2 (DNA polymerase epsilon 2, accessory subunit; minus strand). Cytogenetic location: 14q21.3.
Variant type: single nucleotide variant.
Coding change: c.640C>T on transcript NM_002692.4 (MANE Select); coding-DNA position 640, C replaced by T.
Protein change: p.His214Tyr; replaces histidine 214 with tyrosine.
Molecular consequence: missense variant.
Genome position (GRCh38, 1-based): chr14:49,664,668, G>A on the plus strand (C>T on the coding strand, the complement: POLE2 is on the minus strand). VCF-style: chr14-49664668-G-A. GRCh37 (hg19) VCF-style: chr14-50131386-G-A.
Other names: c.640C>T (NM_002692.3); c.562C>T, p.His188Tyr (NM_001197330.2); c.640C>T, p.His214Tyr (NM_001197331.3, NM_001348384.2); c.409C>T, p.His137Tyr (NM_001348385.2); short protein forms H137Y, H188Y, H214Y.
Identifiers: ClinVar variation 1389917 (VCV001389917.10), dbSNP rs931586213, ClinGen allele CA260657896.

ClinVar aggregate classification (germline): Uncertain significance. Review status: criteria provided, multiple submitters, no conflicts (2 of 4 stars). 2 submissions from 2 submitters: Uncertain significance (2). Last evaluated 2025-10-14.

Allele frequency attached by ClinVar (database versions not stated): gnomAD exomes below 0.00001; gnomAD 0.00001; TOPMed 0.00001.
gnomAD v4.1: 12 of 1,587,372 alleles (0.00076%); highest among the groups gnomAD compares: East Asian, 0.0067%; no homozygotes.

Submissions (2):

Labcorp Genetics (formerly Invitae), Labcorp
Classification: Uncertain significance. Last evaluated: 2025-10-14. Review status: criteria provided, single submitter. Criteria: Invitae Variant Classification Sherloc (09022015). Collection method: clinical testing. Allele origin: germline.
Comment: This sequence change replaces histidine, which is basic and polar, with tyrosine, which is neutral and polar, at codon 214 of the POLE2 protein (p.His214Tyr). This variant is present in population databases (no rsID available, gnomAD 0.006%). This variant has not been reported in the literature in individuals affected with POLE2-related conditions. ClinVar contains an entry for this variant (Variation ID: 1389917). An algorithm developed to predict the effect of missense changes on protein structure and function (PolyPhen-2) suggests that this variant is likely to be disruptive. In summary, the available evidence is currently insufficient to determine the role of this variant in disease. Therefore, it has been classified as a Variant of Uncertain Significance.

Ambry Genetics
Classification: Uncertain significance. Last evaluated: 2025-08-13. Review status: criteria provided, single submitter. Criteria: Ambry Variant Classification Scheme 2023. Collection method: clinical testing. Allele origin: germline.